The following is an entry in ClinVar:

NM_002691.4(POLD1):c.2568C>A (p.Asp856Glu)

Gene: POLD1 (DNA polymerase delta 1, catalytic subunit; plus strand). Cytogenetic location: 19q13.33.
Variant type: single nucleotide variant.
Coding change: c.2568C>A on transcript NM_002691.4 (MANE Select); coding-DNA position 2568, C replaced by A.
Protein change: p.Asp856Glu; replaces aspartic acid 856 with glutamic acid.
Molecular consequence: missense variant. On other transcripts: non-coding transcript variant (1).
Genome position (GRCh38, 1-based): chr19:50,415,441, C>A. VCF-style: chr19-50415441-C-A. GRCh37 (hg19) VCF-style: chr19-50918698-C-A.
Other names: c.2568C>A, p.Asp856Glu (NM_001256849.1); c.2646C>A, p.Asp882Glu (NM_001308632.1); c.2568C>A (NM_002691.2); short protein forms D856E, D882E.
Identifiers: ClinVar variation 962049 (VCV000962049.10), dbSNP rs2039243261, ClinGen allele CA406985274.
Genomic context (GRCh38, chr19:50,415,441, plus strand): 5'-GCACCAGCCTGGCCCTCAGTGCCTTTTGGTGACGCTGTGCGGCCCGCTCTCCTACAGAGA[C>A]CCTGAGGGCGCGGTGGCTCACGCACAGGACGTCATCTCGGACCTGCTGTGCAACCGCATC-3'
Protein context (NP_002682.2, residues 846-866): ASLRRLLIDR[Asp856Glu]PEGAVAHAQD

ClinVar aggregate classification (germline): Uncertain significance. Review status: criteria provided, multiple submitters, no conflicts (2 of 4 stars). 2 submissions from 2 submitters: Uncertain significance (2). Last evaluated 2025-08-04.

Conditions:
POLD1-related polyposis and colorectal cancer syndrome (CRCS10). Also called: Colorectal cancer 10; COLORECTAL CANCER, SUSCEPTIBILITY TO, ON CHROMOSOME 19q; Colorectal cancer, susceptibility to, 10. Identifiers: Orphanet 220460, MedGen C2675481, MONDO:0012953, OMIM 612591.
Hereditary cancer-predisposing syndrome. Also called: Tumor predisposition; Hereditary Cancer Syndrome; Hereditary neoplastic syndrome; Neoplastic Syndromes, Hereditary. Identifiers: Orphanet 140162, MedGen C0027672, MeSH D009386, MONDO:0015356.

Submissions (2):

Ambry Genetics
Classification: Uncertain significance for Hereditary cancer-predisposing syndrome. Last evaluated: 2025-08-04. Review status: criteria provided, single submitter. Criteria: Ambry Variant Classification Scheme 2023. Collection method: clinical testing. Allele origin: germline.
Comment: The p.D856E variant (also known as c.2568C>A), located in coding exon 20 of the POLD1 gene, results from a C to A substitution at nucleotide position 2568. The aspartic acid at codon 856 is replaced by glutamic acid, an amino acid with highly similar properties. This amino acid position is conserved. In addition, this alteration is predicted to be tolerated by in silico analysis. Based on the available evidence, the clinical significance of this variant remains unclear.

Labcorp Genetics (formerly Invitae), Labcorp
Classification: Uncertain significance for POLD1-related polyposis and colorectal cancer syndrome. Last evaluated: 2024-08-29. Review status: criteria provided, single submitter. Criteria: Invitae Variant Classification Sherloc (09022015). Collection method: clinical testing. Allele origin: germline.
Comment: This sequence change replaces aspartic acid, which is acidic and polar, with glutamic acid, which is acidic and polar, at codon 856 of the POLD1 protein (p.Asp856Glu). This variant is not present in population databases (gnomAD no frequency). This variant has not been reported in the literature in individuals affected with POLD1-related conditions. ClinVar contains an entry for this variant (Variation ID: 962049). Invitae Evidence Modeling of protein sequence and biophysical properties (such as structural, functional, and spatial information, amino acid conservation, physicochemical variation, residue mobility, and thermodynamic stability) has been performed for this missense variant. However, the output from this modeling did not meet the statistical confidence thresholds required to predict the impact of this variant on POLD1 protein function. In summary, the available evidence is currently insufficient to determine the role of this variant in disease. Therefore, it has been classified as a Variant of Uncertain Significance.